The following is an entry in ClinVar:

NM_016247.4(IMPG2):c.2797G>T (p.Glu933Ter)

Gene: IMPG2 (interphotoreceptor matrix proteoglycan 2; minus strand). Cytogenetic location: 3q12.3.
Variant type: single nucleotide variant.
Coding change: c.2797G>T on transcript NM_016247.4 (MANE Select); coding-DNA position 2797, G replaced by T.
Protein change: p.Glu933Ter; replaces glutamic acid 933 with a stop codon.
Molecular consequence: nonsense.
Genome position (GRCh38, 1-based): chr3:101,243,534, C>A on the plus strand (G>T on the coding strand, the complement: IMPG2 is on the minus strand). VCF-style: chr3-101243534-C-A. GRCh37 (hg19) VCF-style: chr3-100962378-C-A.
Other names: short protein forms E933*.
Identifiers: ClinVar variation 3651687 (VCV003651687.2).

ClinVar aggregate classification (germline): Pathogenic (1 of 4 stars; one submission).

Submission:

Labcorp Genetics (formerly Invitae), Labcorp
Classification: Pathogenic. Last evaluated: 2024-04-30. Review status: criteria provided, single submitter. Criteria: Invitae Variant Classification Sherloc (09022015). Collection method: clinical testing. Allele origin: germline.
Comment: This sequence change creates a premature translational stop signal (p.Glu933*) in the IMPG2 gene. It is expected to result in an absent or disrupted protein product. Loss-of-function variants in IMPG2 are known to be pathogenic (PMID: 20673862). This variant is not present in population databases (gnomAD no frequency). This variant has not been reported in the literature in individuals affected with IMPG2-related conditions. For these reasons, this variant has been classified as Pathogenic.

Literature cited by the submitters: PubMed 20673862.